The following is an entry in ClinVar:

NM_000489.6(ATRX):c.4371GGAGGAGGAAGA[3] (p.Glu1464_Asp1465insGluGluGluGlu)

Gene: ATRX (ATRX chromatin remodeler; minus strand). Cytogenetic location: Xq21.1.
Variant type: Microsatellite.
Coding change: c.4371GGAGGAGGAAGA[3] on transcript NM_000489.6 (MANE Select); three copies in a row of the 12-base unit GGAGGAGGAAGA starting at c.4371; the reference has two copies in a row; one copy, 12 bases duplicated.
Protein change: p.Glu1464_Asp1465insGluGluGluGlu.
Molecular consequence: inframe insertion.
Genome position (GRCh38, 1-based): chrX:77,652,277-77,652,288, TCTTCCTCCTCC duplicated on the plus strand (GGAGGAGGAAGA on the coding strand, the reverse complement: ATRX is on the minus strand); duplicating any 12 consecutive bases within chrX:77,652,277-77,652,302 gives the same sequence; the position shown is the placement nearest the transcript's 3' end. VCF-style (leftmost placement, unchanged base first): chrX-77652276-A-ATCTTCCTCCTCC. GRCh37 (hg19) VCF-style: chrX-76907766-A-ATCTTCCTCCTCC.
Other names: c.4257GGAGGAGGAAGA[3], p.Glu1426_Asp1427insGluGluGluGlu (NM_138270.5).
Identifiers: ClinVar variation 2076345 (VCV002076345.4), dbSNP rs781854613, ClinGen allele CA2580612373.

ClinVar aggregate classification (germline): Uncertain significance (1 of 4 stars; one submission).

Conditions:
Alpha thalassemia-X-linked intellectual disability syndrome (ATRX). Also called: ALPHA-THALASSEMIA/MENTAL RETARDATION SYNDROME, X-LINKED; ATR, NONDELETION TYPE; ATR-X syndrome; Alpha thalassemia mental retardation syndrome, nondeletion type, X-linked; XLMR hypotonic face syndrome; X-linked alpha-thalassemia-mental retardation syndrome. Identifiers: Orphanet 847, MedGen C1845055, MONDO:0010519, OMIM 301040.

Submission:

Labcorp Genetics (formerly Invitae), Labcorp
Classification: Uncertain significance for Alpha thalassemia-X-linked intellectual disability syndrome. Last evaluated: 2022-09-28. Review status: criteria provided, single submitter. Criteria: Invitae Variant Classification Sherloc (09022015). Collection method: clinical testing. Allele origin: germline.
Comment: In summary, the available evidence is currently insufficient to determine the role of this variant in disease. Therefore, it has been classified as a Variant of Uncertain Significance. Experimental studies and prediction algorithms are not available or were not evaluated, and the functional significance of this variant is currently unknown. This variant has not been reported in the literature in individuals affected with ATRX-related conditions. This variant is not present in population databases (gnomAD no frequency). This variant, c.4383_4394dup, results in the insertion of 4 amino acid(s) of the ATRX protein (p.Glu1461_Glu1464dup), but otherwise preserves the integrity of the reading frame.